The following is an entry in ClinVar:

NM_006517.5(SLC16A2):c.438C>T (p.Val146=)

Gene: SLC16A2 (solute carrier family 16 member 2; plus strand). Cytogenetic location: Xq13.2.
Variant type: single nucleotide variant.
Coding change: c.438C>T on transcript NM_006517.5 (MANE Select); coding-DNA position 438, C replaced by T.
Protein change: p.Val146=; no amino-acid change (valine 146 retained).
Molecular consequence: synonymous variant.
Genome position (GRCh38, 1-based): chrX:74,520,997, C>T. VCF-style: chrX-74520997-C-T. GRCh37 (hg19) VCF-style: chrX-73740832-C-T.
Identifiers: ClinVar variation 2142737 (VCV002142737.10), dbSNP rs761557423, ClinGen allele CA10454408.
Genomic context (GRCh38, chrX:74,520,997, plus strand): 5'-ACCACCAGGCACTACACTAAGCTAAAGTGTCTTTGCACTTGTTTTCTCTGCAGCATGGGT[C>T]GGAGCCCTCGCGATGGGTATGATCTTCTTCTGTTCTCCCATTGTGAGTATATTCACTGAC-3'
Protein context (NP_006508.2, residues 136-156): NRQVEFQAAW[Val146=]GALAMGMIFF

ClinVar aggregate classification (germline): Likely benign. Review status: criteria provided, multiple submitters, no conflicts (2 of 4 stars). 2 submissions from 2 submitters: Likely benign (2). Last evaluated 2025-10-01.

Conditions:
Spastic paraplegia. Identifiers: MedGen C0037772, HP:0001258.

Allele frequency attached by ClinVar (database versions not stated): ExAC 0.00001; gnomAD exomes 0.00001.
gnomAD v4.1: 8 of 1,211,345 alleles (0.00066%); highest among the groups gnomAD compares: Admixed American, 0.013%; no homozygotes.

Submissions (2):

CeGaT Center for Human Genetics Tuebingen
Classification: Likely benign. Last evaluated: 2025-10-01. Review status: criteria provided, single submitter. Criteria: CeGaT Center For Human Genetics Tuebingen Variant Classification Criteria Version 2. Collection method: clinical testing. Allele origin: germline. Affected: yes. Observed: 1 variant allele.
Comment: SLC16A2: BP4, BP7

Labcorp Genetics (formerly Invitae), Labcorp
Classification: Likely benign for Spastic paraplegia. Last evaluated: 2025-04-01. Review status: criteria provided, single submitter. Criteria: Invitae Variant Classification Sherloc (09022015). Collection method: clinical testing. Allele origin: germline.